The following is an entry in ClinVar:

NM_001167.4(XIAP):c.446dup (p.Ser150fs)

Gene: XIAP (X-linked inhibitor of apoptosis; plus strand). Cytogenetic location: Xq25.
Variant type: Duplication.
Coding change: c.446dup on transcript NM_001167.4 (MANE Select); coding-DNA position 446, one base duplicated (T; older notation c.446dupT).
Protein change: p.Ser150fs; shifts the reading frame from serine 150.
Molecular consequence: frameshift variant.
Genome position (GRCh38, 1-based): chrX:123,886,108, T duplicated. VCF-style (leftmost placement, unchanged base first): chrX-123886107-A-AT. GRCh37 (hg19) VCF-style: chrX-123019957-A-AT.
Other names: c.446dup, p.Ser150fs (NM_001204401.2, NM_001378590.1, NM_001378591.1 and 1 more transcripts); short protein forms S150fs.
Identifiers: ClinVar variation 957820 (VCV000957820.7), dbSNP rs2053348979, ClinGen allele CA1139667779.

ClinVar aggregate classification (germline): Pathogenic (1 of 4 stars; one submission).

Conditions:
X-linked lymphoproliferative disease due to XIAP deficiency. Also called: XIAP DEFICIENCY; XIAP-Related Lymphoproliferative Disease, X-Linked. Identifiers: Orphanet 2442, Orphanet 538934, MedGen C1845076, MONDO:0010385, OMIM 300635.

Submission:

Labcorp Genetics (formerly Invitae), Labcorp
Classification: Pathogenic for X-linked lymphoproliferative disease due to XIAP deficiency. Last evaluated: 2019-08-18. Review status: criteria provided, single submitter. Criteria: Invitae Variant Classification Sherloc (09022015). Collection method: clinical testing. Allele origin: germline.
Comment: This sequence change creates a premature translational stop signal (p.Ser150Ilefs*13) in the XIAP gene. It is expected to result in an absent or disrupted protein product. This variant is not present in population databases (ExAC no frequency). This variant has not been reported in the literature in individuals with XIAP-related conditions. Loss-of-function variants in XIAP are known to be pathogenic (PMID: 17080092, 21119115, 25666262). For these reasons, this variant has been classified as Pathogenic.

Literature cited by the submitters: PubMed 17080092; PubMed 21119115; PubMed 25666262.